The following is an entry in ClinVar:

ClinVar aggregate classification (germline): Likely pathogenic (1 of 4 stars; one submission).

Submission:

GeneDx
Classification: Likely pathogenic. Last evaluated: 2016-02-11. Review status: criteria provided, single submitter. Criteria: GeneDx Variant Classification (06012015). Collection method: clinical testing. Allele origin: germline. Affected: yes.
Comment: The c.36959delA variant causes a frameshift starting with codon Asparagine 12320, changes this amino acid to a Methionine residue and creates a premature Stop codon at position 48 of the new reading frame, denoted p.Asn12320MetfsX48. This pathogenic variant is predicted to cause loss of normal protein function either through protein truncation or nonsense-mediated mRNA decay. The c.36959delA variant was not observed in approximately 6,000 individuals of European and African American ancestry in the NHLBI Exome Sequencing Project, indicating it is not a common benign variant in these populations. Therefore, this variant is likely pathogenic; however, the possibility that it is benign cannot be excluded.

NM_001267550.2(TTN):c.44663del (p.Asn14888fs)

Gene: TTN (titin; minus strand). Cytogenetic location: 2q31.2.
Variant type: Deletion.
Coding change: c.44663del on transcript NM_001267550.2 (MANE Select); coding-DNA position 44663, one base deleted (A; older notation c.44663delA).
Protein change: p.Asn14888fs; shifts the reading frame from asparagine 14888.
Molecular consequence: frameshift variant.
Genome position (GRCh38, 1-based): chr2:178,624,617, T deleted on the plus strand (A on the coding strand, the reverse complement: TTN is on the minus strand); the first of 5 consecutive T bases (chr2:178,624,617-178,624,621); deleting any one gives the same sequence. VCF-style (leftmost placement, unchanged base first): chr2-178624616-AT-A. GRCh37 (hg19) VCF-style: chr2-179489343-AT-A.
Other names: c.39740del, p.Asn13247fs (NM_001256850.1); c.17468del, p.Asn5823fs (NM_003319.4); c.36959del, p.Asn12320fs (NM_133378.4); c.17843del, p.Asn5948fs (NM_133432.3); c.18044del, p.Asn6015fs (NM_133437.4); c.39740delA (NM_001256850.1); short protein forms N13247fs, N14888fs, N5823fs, N6015fs, N12320fs, N5948fs.
Identifiers: ClinVar variation 372906 (VCV000372906.1), dbSNP rs1057518065, ClinGen allele CA16042366.